The following is an entry in ClinVar:

ClinVar aggregate classification (germline): Benign/Likely benign. Review status: criteria provided, multiple submitters, no conflicts (2 of 4 stars). 5 submissions from 5 submitters: Benign (1); Likely benign (3). 1 of the submissions does not count toward it. Last evaluated 2026-01-26.

Conditions:
CASP8-related disorder. Also called: CASP8-related condition.
Autoimmune lymphoproliferative syndrome type 2B. Also called: AUTOIMMUNE LYMPHOPROLIFERATIVE SYNDROME, TYPE IIB. Identifiers: Orphanet 275517, MedGen C1846545, MONDO:0011804, OMIM 607271.

Allele frequency attached by ClinVar (database versions not stated): ExAC 0.00066; 1000 Genomes Project 0.00160; 1000 Genomes Project 30x 0.00219; ESP Exome Variant Server 0.00223; TOPMed 0.00235; gnomAD 0.00241.

Submissions (5):

Labcorp Genetics (formerly Invitae), Labcorp
Classification: Likely benign for Autoimmune lymphoproliferative syndrome type 2B. Last evaluated: 2026-01-26. Review status: criteria provided, single submitter. Criteria: Invitae Variant Classification Sherloc (09022015). Collection method: clinical testing. Allele origin: germline.

Mayo Clinic Laboratories, Mayo Clinic
Classification: Benign. Last evaluated: 2025-07-29. Review status: criteria provided, single submitter. Criteria: ACMG Guidelines, 2015. Collection method: clinical testing. Allele origin: germline. Observed: 1 variant allele.
Comment: BS1, BS2_supporting, BP4_strong

Blueprint Genetics
Classification: Likely benign. Last evaluated: 2024-10-23. Review status: criteria provided, single submitter. Criteria: ACMG Guidelines, 2015. Collection method: clinical testing. Allele origin: germline.

Illumina Laboratory Services, Illumina
Classification: Likely benign for Autoimmune lymphoproliferative syndrome type 2B. Last evaluated: 2018-01-13. Review status: criteria provided, single submitter. Criteria: ICSL Variant Classification Criteria 13 December 2019. Collection method: clinical testing. Allele origin: germline.
Comment: This variant was observed in the ICSL laboratory as part of a predisposition screen in an ostensibly healthy population. It had not been previously curated by ICSL or reported in the Human Gene Mutation Database (HGMD: prior to June 1st, 2018), and was therefore a candidate for classification through an automated scoring system. Utilizing variant allele frequency, disease prevalence and penetrance estimates, and inheritance mode, an automated score was calculated to assess if this variant is too frequent to cause the disease. Based on the score and internal cut-off values, a variant classified as likely benign is not then subjected to further curation. The score for this variant resulted in a classification of likely benign for this disease.

PreventionGenetics, part of Exact Sciences
Classification: Likely benign for CASP8-related condition. Last evaluated: 2024-08-13. Review status: no assertion criteria provided. Collection method: clinical testing. Allele origin: germline. Not counted in ClinVar's aggregate classification.
Comment: This variant is classified as likely benign based on ACMG/AMP sequence variant interpretation guidelines (Richards et al. 2015 PMID: 25741868, with internal and published modifications).

NM_001372051.1(CASP8):c.655T>A (p.Ser219Thr)

Gene: CASP8 (caspase 8; plus strand). Cytogenetic location: 2q33.1.
Variant type: single nucleotide variant.
Coding change: c.655T>A on transcript NM_001372051.1 (MANE Select); coding-DNA position 655, T replaced by A.
Protein change: p.Ser219Thr; replaces serine 219 with threonine.
Molecular consequence: missense variant. On other transcripts: non-coding transcript variant (19), intron variant (16).
Genome position (GRCh38, 1-based): chr2:201,274,948, T>A. VCF-style: chr2-201274948-T-A. GRCh37 (hg19) VCF-style: chr2-202139671-T-A.
Other names: p.Ser236Thr; c.610T>A, p.Ser204Thr (NM_001080124.2, NM_001400658.1, NM_001400659.1 and 5 more transcripts); c.832T>A, p.Ser278Thr (NM_001080125.2); c.706T>A, p.Ser236Thr (NM_001228.5); c.787T>A, p.Ser263Thr (NM_001400642.1); c.655T>A, p.Ser219Thr (NM_001400648.1, NM_001400651.1, NM_001400653.1 and 6 more transcripts); c.346T>A, p.Ser116Thr (NM_001400669.1); c.40T>A, p.Ser14Thr (NM_001400674.1, NM_001400680.1); and 8 more; short protein forms S204T, S236T, S219T, S278T, S116T, S14T, S263T.
Identifiers: ClinVar variation 791745 (VCV000791745.17), dbSNP rs35976359, ClinGen allele CA2053627.